The following is an entry in ClinVar:

Conditions:
Breast-ovarian cancer, familial, susceptibility to, 1 (BROVCA1). Also called: BRCA1 Hereditary Breast and Ovarian Cancer; OVARIAN CANCER, SUSCEPTIBILITY TO. Identifiers: Orphanet 145, MedGen C2676676, MONDO:0011450, OMIM 604370. Disease mechanism: loss of function.

Submission:

Brotman Baty Institute, University of Washington
No classification provided (evidence only). Condition: Breast-ovarian cancer, familial 1. Review status: no classification provided. Collection method: in vitro. Allele origin: not applicable. Functional consequence: functionally_normal.
ClinVar note: "not provided" was previously submitted as the classification for the variant. However, the classification appeared to be based only on an observation of functional data so it was converted to no classification on 2025-07-30.

NM_007294.4(BRCA1):c.269T>G (p.Ile90Ser)

Gene: BRCA1 (BRCA1 DNA repair associated; minus strand). Cytogenetic location: 17q21.31.
Variant type: single nucleotide variant.
Coding change: c.269T>G on transcript NM_007294.4 (MANE Select); coding-DNA position 269, T replaced by G.
Protein change: p.Ile90Ser; replaces isoleucine 90 with serine.
Molecular consequence: missense variant. On other transcripts: non-coding transcript variant (1).
Genome position (GRCh38, 1-based): chr17:43,104,900, A>C on the plus strand (T>G on the coding strand, the complement: BRCA1 is on the minus strand). VCF-style: chr17-43104900-A-C. GRCh37 (hg19) VCF-style: chr17-41256917-A-C.
Other names: c.59T>G, p.Ile20Ser (NM_001407571.1, NM_001407853.1, NM_001407879.1 and 58 more transcripts); c.269T>G, p.Ile90Ser (NM_001407581.1, NM_001407582.1, NM_001407583.1 and 168 more transcripts); c.191T>G, p.Ile64Ser (NM_001407653.1, NM_001407654.1, NM_001407655.1 and 21 more transcripts); c.128T>G, p.Ile43Ser (NM_001407692.1, NM_001407694.1, NM_001407695.1 and 99 more transcripts); c.-113T>G (NM_001407959.1, NM_001407960.1, NM_001407962.1 and 4 more transcripts); c.137T>G, p.Ile46Ser (NM_001408451.1); short protein forms I90S, I43S, I64S, I20S, I46S.
Identifiers: ClinVar variation 865616 (VCV000865616.3), dbSNP rs80357174, ClinGen allele CA10601616.
Genomic context (GRCh38, chr17:43,104,900, plus strand): 5'-TGTCATTCTTGGGATATTCAACACTTACACTCCAAACCTGTGTCAAGCTGAAAAGCACAA[A>C]TGATTTTCAATAGCTCTTCAACAAGTTGACTAAATCTCGTACTTTCTTGTAGGCTCCTGA-3'
Protein context (NP_009225.1, residues 80-100): SQLVEELLKI[Ile90Ser]CAFQLDTGLE